The following is an entry in ClinVar:

ClinVar aggregate classification (germline): Pathogenic/Likely pathogenic. Review status: criteria provided, multiple submitters, no conflicts (2 of 4 stars). 2 submissions from 2 submitters: Pathogenic (1); Likely pathogenic (1). Last evaluated 2023-10-25.

Conditions:
KBG syndrome (KBGS). Also called: ANKRD11-Related KBG Syndrome. Identifiers: Orphanet 2332, MedGen C0220687, MONDO:0007846, OMIM 148050.
ANKRD11-related disorder. Also called: ANKRD11-related condition.

Submissions (2):

Blueprint Genetics
Classification: Likely pathogenic for ANKRD11-related disorders. Last evaluated: 2023-10-25. Review status: criteria provided, single submitter. Criteria: ACMG Guidelines, 2015. Collection method: clinical testing. Allele origin: germline. Affected: yes. Observed: 1 variant allele.

Labcorp Genetics (formerly Invitae), Labcorp
Classification: Pathogenic for KBG syndrome. Last evaluated: 2018-11-20. Review status: criteria provided, single submitter. Criteria: Invitae Variant Classification Sherloc (09022015). Collection method: clinical testing. Allele origin: germline.
Comment: For these reasons, this variant has been classified as Pathogenic. Loss-of-function variants in ANKRD11 are known to be pathogenic (PMID: 21782149, 25125236, 25413698, 25652421). This variant has not been reported in the literature in individuals with ANKRD11-related disease. This variant is not present in population databases (ExAC no frequency). This sequence change creates a premature translational stop signal (p.Arg1895Glnfs*55) in the ANKRD11 gene. It is expected to result in an absent or disrupted protein product.

Literature cited by the submitters: PubMed 21782149 (cited by Labcorp Genetics (formerly Invitae), Labcorp); PubMed 25125236 (cited by Labcorp Genetics (formerly Invitae), Labcorp); PubMed 25413698 (cited by Labcorp Genetics (formerly Invitae), Labcorp); PubMed 25652421 (cited by Labcorp Genetics (formerly Invitae), Labcorp).

NM_013275.6(ANKRD11):c.5682dup (p.Arg1895fs)

Gene: ANKRD11 (ankyrin repeat domain 11; minus strand). Cytogenetic location: 16q24.3.
Variant type: Duplication.
Coding change: c.5682dup on transcript NM_013275.6 (MANE Select); coding-DNA position 5682, one base duplicated (C; older notation c.5682dupC).
Protein change: p.Arg1895fs; shifts the reading frame from arginine 1895.
Molecular consequence: frameshift variant.
Genome position (GRCh38, 1-based): chr16:89,280,860, G duplicated on the plus strand (C on the coding strand, the reverse complement: ANKRD11 is on the minus strand); the first of 5 consecutive G bases (chr16:89,280,860-89,280,864); duplicating any one gives the same sequence. VCF-style (leftmost placement, unchanged base first): chr16-89280859-T-TG. GRCh37 (hg19) VCF-style: chr16-89347267-T-TG.
Other names: c.5682dup, p.Arg1895fs (NM_001256182.2, NM_001256183.2); short protein forms R1895fs.
Identifiers: ClinVar variation 658274 (VCV000658274.7), dbSNP rs1163944246, ClinGen allele CA624452385.
Genomic context (GRCh38, chr16:89,280,859, plus strand): 5'-CGGAGGTGTCCAGGTCCGGGGGAAGGGCCCCTTCGAGGGAAGGAACCAGCAGCTCGGCTC[T>TG]GGGGGAAGGGGAAGGTTTTGCTTGTAAACTTGAGAAGACGCCCTCTGGAGACGGGGTGAC-3'